The following is an entry in ClinVar:

ClinVar aggregate classification (germline): Uncertain significance (1 of 4 stars; one submission).

Conditions:
Arrhythmogenic right ventricular dysplasia 5. Also called: Arrhythmogenic Right Ventricular Dysplasia/Cardiomyopathy 5; ARRHYTHMOGENIC RIGHT VENTRICULAR DYSPLASIA, FAMILIAL, 5. Identifiers: MedGen C1858379, MONDO:0011459, OMIM 604400.

Submission:

Labcorp Genetics (formerly Invitae), Labcorp
Classification: Uncertain significance for Arrhythmogenic right ventricular dysplasia 5. Last evaluated: 2025-12-08. Review status: criteria provided, single submitter. Criteria: Invitae Variant Classification Sherloc (09022015). Collection method: clinical testing. Allele origin: germline.
Comment: This sequence change creates a premature translational stop signal (p.Val125*) in the TMEM43 gene. It is expected to result in an absent or disrupted protein product. However, the current clinical and genetic evidence is not sufficient to establish whether loss-of-function variants in TMEM43 cause disease. This variant is present in population databases (rs757716377, gnomAD 0.01%). This variant has not been reported in the literature in individuals affected with TMEM43-related conditions. In summary, the available evidence is currently insufficient to determine the role of this variant in disease. Therefore, it has been classified as a Variant of Uncertain Significance.

NM_024334.3(TMEM43):c.373del (p.Trp124_Val125insTer)

Gene: TMEM43 (transmembrane protein 43; plus strand). Cytogenetic location: 3p25.1.
Variant type: Deletion.
Coding change: c.373del on transcript NM_024334.3 (MANE Select); coding-DNA position 373, one base deleted (G; older notation c.373delG).
Protein change: p.Trp124_Val125insTer.
Molecular consequence: nonsense.
Genome position (GRCh38, 1-based): chr3:14,131,655, G deleted; the last of 3 consecutive G bases (chr3:14,131,653-14,131,655); deleting any one gives the same sequence. VCF-style (leftmost placement, unchanged base first): chr3-14131652-TG-T. GRCh37 (hg19) VCF-style: chr3-14173152-TG-T.
Other names: c.373del, p.Trp124_Val125insTer (NM_001407274.1, NM_001407275.1, NM_001407276.1 and 2 more transcripts); c.358del, p.Trp119_Val120insTer (NM_001407278.1); c.223del, p.Trp74_Val75insTer (NM_001407280.1).
Identifiers: ClinVar variation 4749579 (VCV004749579.1).